The following is an entry in ClinVar:

ClinVar aggregate classification (germline): Uncertain significance (1 of 4 stars; one submission).

Submission:

Labcorp Genetics (formerly Invitae), Labcorp
Classification: Uncertain significance. Last evaluated: 2019-12-26. Review status: criteria provided, single submitter. Criteria: Invitae Variant Classification Sherloc (09022015). Collection method: clinical testing. Allele origin: germline.
Comment: In summary, the available evidence is currently insufficient to determine the role of this variant in disease. Therefore, it has been classified as a Variant of Uncertain Significance. Algorithms developed to predict the effect of missense changes on protein structure and function output the following: SIFT: "Deleterious"; PolyPhen-2: "Benign"; Align-GVGD: "Class C0". The leucine amino acid residue is found in multiple mammalian species, suggesting that this missense change does not adversely affect protein function. These predictions have not been confirmed by published functional studies and their clinical significance is uncertain. This variant has not been reported in the literature in individuals with CDHR1-related conditions. This variant is not present in population databases (ExAC no frequency). This sequence change replaces valine with leucine at codon 607 of the CDHR1 protein (p.Val607Leu). The valine residue is highly conserved and there is a small physicochemical difference between valine and leucine.

NM_033100.4(CDHR1):c.1819G>C (p.Val607Leu)

Gene: CDHR1 (cadherin related family member 1; plus strand). Cytogenetic location: 10q23.1.
Variant type: single nucleotide variant.
Coding change: c.1819G>C on transcript NM_033100.4 (MANE Select); coding-DNA position 1819, G replaced by C.
Protein change: p.Val607Leu; replaces valine 607 with leucine.
Molecular consequence: missense variant.
Genome position (GRCh38, 1-based): chr10:84,213,127, G>C. VCF-style: chr10-84213127-G-C. GRCh37 (hg19) VCF-style: chr10-85972883-G-C.
Other names: c.1819G>C, p.Val607Leu (NM_001171971.3); short protein forms V607L.
Identifiers: ClinVar variation 848966 (VCV000848966.10), dbSNP rs1842365592, ClinGen allele CA377378324.